The following is an entry in ClinVar:

ClinVar aggregate classification (germline): Uncertain significance (1 of 4 stars; one submission).

Conditions:
Primary dilated cardiomyopathy (DCM). Also called: Dilated Cardiomyopathy. Identifiers: Orphanet 217604, MedGen C0007193, MeSH D002311, MONDO:0005021, HP:0001644. Inheritance: Various modes of inheritance.

Submission:

Labcorp Genetics (formerly Invitae), Labcorp
Classification: Uncertain significance for Primary dilated cardiomyopathy. Last evaluated: 2023-10-07. Review status: criteria provided, single submitter. Criteria: Invitae Variant Classification Sherloc (09022015). Collection method: clinical testing. Allele origin: germline.
Comment: This sequence change falls in intron 16 of the TXNRD2 gene. It does not directly change the encoded amino acid sequence of the TXNRD2 protein. This variant is not present in population databases (gnomAD no frequency). This variant has not been reported in the literature in individuals affected with TXNRD2-related conditions. Algorithms developed to predict the effect of sequence changes on RNA splicing suggest that this variant may create or strengthen a splice site. In summary, the available evidence is currently insufficient to determine the role of this variant in disease. Therefore, it has been classified as a Variant of Uncertain Significance.

NM_006440.5(TXNRD2):c.1445+7C>A

Gene: TXNRD2 (thioredoxin reductase 2; minus strand). Cytogenetic location: 22q11.21.
Variant type: single nucleotide variant.
Coding change: c.1445+7C>A on transcript NM_006440.5 (MANE Select); 7 bases into the intron after coding-DNA position 1445, C replaced by A.
Molecular consequence: intron variant.
Genome position (GRCh38, 1-based): chr22:19,878,083, G>T on the plus strand (C>A on the coding strand, the complement: TXNRD2 is on the minus strand). VCF-style: chr22-19878083-G-T. GRCh37 (hg19) VCF-style: chr22-19865606-G-T.
Other names: c.1442+7C>A (NM_001352300.2); c.1157+7C>A (NM_001352302.2); c.1355+7C>A (NM_001352301.2).
Identifiers: ClinVar variation 2721750 (VCV002721750.3), dbSNP rs992536525, ClinGen allele CA322075511.